The following is an entry in ClinVar:

NM_013296.5(GPSM2):c.997A>G (p.Thr333Ala)

Gene: GPSM2 (G protein signaling modulator 2; plus strand). Cytogenetic location: 1p13.3.
Variant type: single nucleotide variant.
Coding change: c.997A>G on transcript NM_013296.5 (MANE Select); coding-DNA position 997, A replaced by G.
Protein change: p.Thr333Ala; replaces threonine 333 with alanine.
Molecular consequence: missense variant.
Genome position (GRCh38, 1-based): chr1:108,903,169, A>G. VCF-style: chr1-108903169-A-G. GRCh37 (hg19) VCF-style: chr1-109445791-A-G.
Other names: c.997A>G, p.Thr333Ala (NM_001321038.2, NM_001321039.3); short protein forms T333A.
Identifiers: ClinVar variation 2002226 (VCV002002226.4), dbSNP rs775213122, ClinGen allele CA982943.
Genomic context (GRCh38, chr1:108,903,169, plus strand): 5'-TTTGAATAACGTTTTAGAATTGGTGAAGGAAGAGCATGTTGGAGCTTAGGAAATGCATAC[A>G]CAGCACTAGGAAATCATGATCAAGCAATGCATTTTGCTGAAAAGCACTTGGAAATTTCAA-3'
Protein context (NP_037428.3, residues 323-343): RACWSLGNAY[Thr333Ala]ALGNHDQAMH

ClinVar aggregate classification (germline): Uncertain significance (1 of 4 stars; one submission).

Allele frequency attached by ClinVar (database versions not stated): gnomAD exomes below 0.00001; ExAC 0.00001.
gnomAD v4.1: 2 of 1,611,870 alleles (0.00012%); highest among the groups gnomAD compares: Admixed American, 0.0033%; no homozygotes.

Submission:

Labcorp Genetics (formerly Invitae), Labcorp
Classification: Uncertain significance. Last evaluated: 2025-12-15. Review status: criteria provided, single submitter. Criteria: Invitae Variant Classification Sherloc (09022015). Collection method: clinical testing. Allele origin: germline.
Comment: This sequence change replaces threonine, which is neutral and polar, with alanine, which is neutral and non-polar, at codon 333 of the GPSM2 protein (p.Thr333Ala). This variant is present in population databases (rs775213122, gnomAD 0.003%). This variant has not been reported in the literature in individuals affected with GPSM2-related conditions. ClinVar contains an entry for this variant (Variation ID: 2002226). Invitae Evidence Modeling of protein sequence and biophysical properties (such as structural, functional, and spatial information, amino acid conservation, physicochemical variation, residue mobility, and thermodynamic stability) indicates that this missense variant is not expected to disrupt GPSM2 protein function with a negative predictive value of 80%. In summary, the available evidence is currently insufficient to determine the role of this variant in disease. Therefore, it has been classified as a Variant of Uncertain Significance.